The following is an entry in ClinVar:

ClinVar aggregate classification (germline): Uncertain significance (1 of 4 stars; one submission).

Conditions:
Fanconi anemia (FA). Also called: Fanconi's anemia. Identifiers: Orphanet 84, MedGen C0015625, MeSH D005199, MONDO:0019391.

Allele frequency attached by ClinVar (database versions not stated): gnomAD exomes below 0.00001.
gnomAD v4.1: 4 of 1,612,922 alleles (0.00025%); highest among the groups gnomAD compares: Non-Finnish European, 0.00034%; no homozygotes.

Submission:

Labcorp Genetics (formerly Invitae), Labcorp
Classification: Uncertain significance for Fanconi anemia. Last evaluated: 2021-12-18. Review status: criteria provided, single submitter. Criteria: Invitae Variant Classification Sherloc (09022015). Collection method: clinical testing. Allele origin: germline.
Comment: In summary, the available evidence is currently insufficient to determine the role of this variant in disease. Therefore, it has been classified as a Variant of Uncertain Significance. Variants that disrupt the consensus splice site are a relatively common cause of aberrant splicing (PMID: 17576681, 9536098). Algorithms developed to predict the effect of sequence changes on RNA splicing suggest that this variant is not likely to affect RNA splicing. This variant has not been reported in the literature in individuals affected with FANCI-related conditions. This variant is present in population databases (no rsID available, gnomAD 0.0008%). This sequence change falls in intron 22 of the FANCI gene. It does not directly change the encoded amino acid sequence of the FANCI protein. It affects a nucleotide within the consensus splice site.

Literature cited by the submitters: PubMed 17576681; PubMed 9536098.

NM_001113378.2(FANCI):c.2292-3C>T

Gene: FANCI (FA complementation group I; plus strand). Cytogenetic location: 15q26.1.
Variant type: single nucleotide variant.
Coding change: c.2292-3C>T on transcript NM_001113378.2 (MANE Select); 3 bases into the intron before coding-DNA position 2292, C replaced by T.
Molecular consequence: intron variant.
Genome position (GRCh38, 1-based): chr15:89,293,830, C>T. VCF-style: chr15-89293830-C-T. GRCh37 (hg19) VCF-style: chr15-89837061-C-T.
Other names: c.2292-3C>T (NM_018193.3, NM_001376911.1); c.2013-3C>T (NM_001376910.1).
Identifiers: ClinVar variation 2042664 (VCV002042664.2), dbSNP rs1275124988, ClinGen allele CA619857300.